The following is an entry in ClinVar:

NM_000751.3(CHRND):c.1324G>T (p.Ala442Ser)

Gene: CHRND (cholinergic receptor nicotinic delta subunit; plus strand). Cytogenetic location: 2q37.1.
Variant type: single nucleotide variant.
Coding change: c.1324G>T on transcript NM_000751.3 (MANE Select); coding-DNA position 1324, G replaced by T.
Protein change: p.Ala442Ser; replaces alanine 442 with serine.
Molecular consequence: missense variant.
Genome position (GRCh38, 1-based): chr2:232,534,295, G>T. VCF-style: chr2-232534295-G-T. GRCh37 (hg19) VCF-style: chr2-233399005-G-T.
Other names: c.1279G>T, p.Ala427Ser (NM_001256657.2); c.742G>T, p.Ala248Ser (NM_001311195.2); c.1021G>T, p.Ala341Ser (NM_001311196.2); short protein forms A427S, A442S, A248S, A341S.
Identifiers: ClinVar variation 4615358 (VCV004615358.2).
Genomic context (GRCh38, chr2:232,534,295, plus strand): 5'-GCAAGCTCTGAGCAGGCCCAGCAGGAACTCTTCAATGAGCTGAAGCCAGCTGTGGATGGG[G>T]CAAACTTCATTGTTAACCACATGAGGGACCAGAACAATTACAATGAGGTAAGGGACCACA-3'
Protein context (NP_000742.1, residues 432-452): FNELKPAVDG[Ala442Ser]NFIVNHMRDQ

ClinVar aggregate classification (germline): Uncertain significance. Review status: criteria provided, multiple submitters, no conflicts (2 of 4 stars). 2 submissions from 2 submitters: Uncertain significance (2). Last evaluated 2025-12-24.

Conditions:
Lethal multiple pterygium syndrome (LMPS). Identifiers: Orphanet 33108, MedGen C1854678, MONDO:0009668, OMIM 253290.
Inborn genetic diseases. Identifiers: MedGen C0950123, MeSH D030342.

Submissions (2):

Labcorp Genetics (formerly Invitae), Labcorp
Classification: Uncertain significance for Lethal multiple pterygium syndrome. Last evaluated: 2025-12-24. Review status: criteria provided, single submitter. Criteria: Invitae Variant Classification Sherloc (09022015). Collection method: clinical testing. Allele origin: germline.
Comment: This sequence change replaces alanine, which is neutral and non-polar, with serine, which is neutral and polar, at codon 442 of the CHRND protein (p.Ala442Ser). This variant is present in population databases (no rsID available, gnomAD 0.003%). This variant has not been reported in the literature in individuals affected with CHRND-related conditions. Invitae Evidence Modeling of protein sequence and biophysical properties (such as structural, functional, and spatial information, amino acid conservation, physicochemical variation, residue mobility, and thermodynamic stability) has been performed for this missense variant. However, the output from this modeling did not meet the statistical confidence thresholds required to predict the impact of this variant on CHRND protein function. In summary, the available evidence is currently insufficient to determine the role of this variant in disease. Therefore, it has been classified as a Variant of Uncertain Significance.

Ambry Genetics
Classification: Uncertain significance for Inborn genetic diseases. Last evaluated: 2025-11-20. Review status: criteria provided, single submitter. Criteria: Ambry Variant Classification Scheme 2023. Collection method: clinical testing. Allele origin: germline.